The following is an entry in ClinVar:

NM_000534.5(PMS1):c.1895A>G (p.Asn632Ser)

Gene: PMS1 (PMS1 homolog 1, mismatch repair system component; plus strand). Cytogenetic location: 2q32.2.
Variant type: single nucleotide variant.
Coding change: c.1895A>G on transcript NM_000534.5 (MANE Select); coding-DNA position 1895, A replaced by G.
Protein change: p.Asn632Ser; replaces asparagine 632 with serine.
Molecular consequence: missense variant. On other transcripts: non-coding transcript variant (1), intron variant (2).
Genome position (GRCh38, 1-based): chr2:189,863,781, A>G. VCF-style: chr2-189863781-A-G. GRCh37 (hg19) VCF-style: chr2-190728507-A-G.
Other names: c.1778A>G, p.Asn593Ser (NM_001128143.2); c.1367A>G, p.Asn456Ser (NM_001289408.2, NM_001289409.2); c.1895A>G, p.Asn632Ser (NM_001321045.2, NM_001321047.2, NM_001321048.2); c.1712A>G, p.Asn571Ser (NM_001321046.2); c.1857-4018A>G (NM_001128144.2); c.1740-4018A>G (NM_001321044.2); short protein forms N632S, N456S, N571S, N593S.
Identifiers: ClinVar variation 135058 (VCV000135058.9), dbSNP rs2066456, ClinGen allele CA161546.

ClinVar aggregate classification (germline): Likely benign. Review status: criteria provided, multiple submitters, no conflicts (2 of 4 stars). 4 submissions from 4 submitters: Likely benign (3). 1 of the submissions does not count toward it. Last evaluated 2024-08-15.

Allele frequency attached by ClinVar (database versions not stated): gnomAD exomes 0.00018 and 0.00041; gnomAD 0.00172 and 0.00179; TOPMed 0.00178; 1000 Genomes Project 30x 0.00219; 1000 Genomes Project 0.00240; ExAC 0.00055; ESP Exome Variant Server 0.00146.
gnomAD v4.1: 521 of 1,608,090 alleles (0.032%); highest among the groups gnomAD compares: African/African-American, 0.59%; no homozygotes.

Submissions (4):

Blueprint Genetics
Classification: Likely benign. Last evaluated: 2024-08-15. Review status: criteria provided, single submitter. Criteria: ACMG Guidelines, 2015. Collection method: clinical testing. Allele origin: germline.

Genetic Services Laboratory, University of Chicago
Classification: Likely benign. Last evaluated: 2020-03-06. Review status: criteria provided, single submitter. Criteria: ACMG Guidelines, 2015. Collection method: clinical testing. Allele origin: germline. Affected: no.

Labcorp Genetics (formerly Invitae), Labcorp
Classification: Likely benign. Last evaluated: 2017-10-16. Review status: criteria provided, single submitter. Criteria: Invitae Variant Classification Sherloc (09022015). Collection method: clinical testing. Allele origin: germline.

ITMI
No classification provided. Condition: AllHighlyPenetrant. Last evaluated: 2013-09-19. Review status: no classification provided. Collection method: reference population. Allele origin: germline. Not counted in ClinVar's aggregate classification.
Comment: Please see associated publication for description of ethnicities

Literature cited by the submitters: PubMed 24728327 (cited by ITMI).